The following is an entry in ClinVar:

ClinVar aggregate classification (germline): Likely benign (1 of 4 stars; one submission).

gnomAD v4.1: 12 of 1,609,600 alleles (0.00075%); highest among the groups gnomAD compares: Non-Finnish European, 0.00094%; no homozygotes.

Submission:

Laboratory for Molecular Medicine, Mass General Brigham Personalized Medicine
Classification: Likely benign. Last evaluated: 2016-01-28. Review status: criteria provided, single submitter. Criteria: LMM Criteria. Collection method: clinical testing. Allele origin: germline. Observed: 1 variant allele.
Comment: c.2292+8G>T in intron 19 of LARS2: This variant is not expected to have clinical significance because it is not located within the splice consensus sequence.

NM_015340.4(LARS2):c.2292+8G>T

Gene: LARS2 (leucyl-tRNA synthetase 2, mitochondrial; plus strand). Cytogenetic location: 3p21.31.
Variant type: single nucleotide variant.
Coding change: c.2292+8G>T on transcript NM_015340.4 (MANE Select); 8 bases into the intron after coding-DNA position 2292, G replaced by T.
Molecular consequence: intron variant.
Genome position (GRCh38, 1-based): chr3:45,520,304, G>T. VCF-style: chr3-45520304-G-T. GRCh37 (hg19) VCF-style: chr3-45561796-G-T.
Other names: c.2292+8G>T (NM_001368263.1).
Identifiers: ClinVar variation 227491 (VCV000227491.4), dbSNP rs876657488, ClinGen allele CA10576622.